The following is an entry in ClinVar:

ClinVar aggregate classification (germline): Uncertain significance. Review status: criteria provided, multiple submitters, no conflicts (2 of 4 stars). 2 submissions from 2 submitters: Uncertain significance (2). Last evaluated 2024-08-05.

Conditions:
Hereditary cancer-predisposing syndrome. Also called: Tumor predisposition; Neoplastic Syndromes, Hereditary; Hereditary neoplastic syndrome; Hereditary Cancer Syndrome. Identifiers: Orphanet 140162, MedGen C0027672, MeSH D009386, MONDO:0015356.
Familial cancer of breast. Also called: Hereditary breast cancer; hereditary breast carcinoma; BREAST CANCER, FAMILIAL. Identifiers: Orphanet 227535, MedGen C0346153, MONDO:0016419, OMIM 114480. Disease mechanism: loss of function.

Submissions (2):

Labcorp Genetics (formerly Invitae), Labcorp
Classification: Uncertain significance for Familial cancer of breast. Last evaluated: 2024-08-05. Review status: criteria provided, single submitter. Criteria: Invitae Variant Classification Sherloc (09022015). Collection method: clinical testing. Allele origin: germline.
Comment: This sequence change replaces aspartic acid, which is acidic and polar, with valine, which is neutral and non-polar, at codon 190 of the BARD1 protein (p.Asp190Val). This variant is not present in population databases (gnomAD no frequency). This variant has not been reported in the literature in individuals affected with BARD1-related conditions. ClinVar contains an entry for this variant (Variation ID: 1512900). An algorithm developed to predict the effect of missense changes on protein structure and function outputs the following: PolyPhen-2: "Benign". The valine amino acid residue is found in multiple mammalian species, which suggests that this missense change does not adversely affect protein function. In summary, the available evidence is currently insufficient to determine the role of this variant in disease. Therefore, it has been classified as a Variant of Uncertain Significance.

Ambry Genetics
Classification: Uncertain significance for Hereditary cancer-predisposing syndrome. Last evaluated: 2022-03-16. Review status: criteria provided, single submitter. Criteria: Ambry Variant Classification Scheme 2023. Collection method: clinical testing. Allele origin: germline.
Comment: The p.D190V variant (also known as c.569A>T), located in coding exon 4 of the BARD1 gene, results from an A to T substitution at nucleotide position 569. The aspartic acid at codon 190 is replaced by valine, an amino acid with highly dissimilar properties. This amino acid position is conserved. In addition, this alteration is predicted to be tolerated by in silico analysis. Since supporting evidence is limited at this time, the clinical significance of this alteration remains unclear.

NM_000465.4(BARD1):c.569A>T (p.Asp190Val)

Gene: BARD1 (BRCA1 associated RING domain 1; minus strand). Cytogenetic location: 2q35.
Variant type: single nucleotide variant.
Coding change: c.569A>T on transcript NM_000465.4 (MANE Select); coding-DNA position 569, A replaced by T.
Protein change: p.Asp190Val; replaces aspartic acid 190 with valine.
Molecular consequence: missense variant. On other transcripts: non-coding transcript variant (2), intron variant (3).
Genome position (GRCh38, 1-based): chr2:214,781,305, T>A on the plus strand (A>T on the coding strand, the complement: BARD1 is on the minus strand). VCF-style: chr2-214781305-T-A. GRCh37 (hg19) VCF-style: chr2-215646029-T-A.
Other names: c.512A>T, p.Asp171Val (NM_001282543.2); c.158+28107A>T (NM_001282548.2); c.215+15756A>T (NM_001282545.2); c.364+10992A>T (NM_001282549.2); short protein forms D190V, D171V.
Identifiers: ClinVar variation 1512900 (VCV001512900.9), dbSNP rs1559425762, ClinGen allele CA350456883.